The following is an entry in ClinVar:

ClinVar aggregate classification (germline): Conflicting classifications of pathogenicity. Review status: criteria provided, conflicting classifications (1 of 4 stars). 2 submissions from 2 submitters: Pathogenic (1); Uncertain significance (1). Last evaluated 2022-10-17.

Conditions:
3-methylcrotonyl-CoA carboxylase 2 deficiency. Also called: METHYLCROTONYLGLYCINURIA, TYPE II; 3 alpha methylcrotonyl-CoA carboxylase 2 deficiency; 3 alpha methylcrotonylglycinuria 2; MCC 2 deficiency; Methylcrotonylglycinuria type 2. Identifiers: Orphanet 6, MedGen C1859499, MONDO:0008862, OMIM 210210.

Submissions (2):

Labcorp Genetics (formerly Invitae), Labcorp
Classification: Uncertain significance for 3-methylcrotonyl-CoA carboxylase 2 deficiency. Last evaluated: 2022-10-17. Review status: criteria provided, single submitter. Criteria: Invitae Variant Classification Sherloc (09022015). Collection method: clinical testing. Allele origin: germline.
Comment: This sequence change replaces alanine, which is neutral and non-polar, with valine, which is neutral and non-polar, at codon 456 of the MCCC2 protein (p.Ala456Val). The frequency data for this variant in the population databases is considered unreliable, as metrics indicate poor data quality at this position in the gnomAD database. This missense change has been observed in individual(s) with 3 methylcrotonyl-CoA carboxylase deficiency (Invitae). In at least one individual the data is consistent with being in trans (on the opposite chromosome) from a pathogenic variant. ClinVar contains an entry for this variant (Variation ID: 451352). Algorithms developed to predict the effect of missense changes on protein structure and function are either unavailable or do not agree on the potential impact of this missense change (SIFT: "Not Available"; PolyPhen-2: "Probably Damaging"; Align-GVGD: "Not Available"). Experimental studies have shown that this missense change affects MCCC2 function (PMID: 22642865). In summary, the available evidence is currently insufficient to determine the role of this variant in disease. Therefore, it has been classified as a Variant of Uncertain Significance.

GeneDx
Classification: Pathogenic. Last evaluated: 2017-08-16. Review status: criteria provided, single submitter. Criteria: GeneDx Variant Classification (06012015). Collection method: clinical testing. Allele origin: germline. Affected: yes.
Comment: The c.1367_1368delCAinsTG variant is not observed in large population cohorts (Lek et al., 2016; 1000 Genomes Consortium et al., 2015; Exome Variant Server). The c.1367_1368delCAinsTG variant results in the normal Alanine codon at position 456 being replaced by a Valine, denoted p.Ala456Val (A456V). Expression studies found that A456V results in virtually no 3-MCC enzyme activity compared to wild-type (Grunert et al. 2012). Furthermore, in silico analysis predicts the A456V variant is probably damaging to the protein structure/function. In summary, we interpret this variant as pathogenic.

Literature cited by the submitters: PubMed 22642865 (cited by Labcorp Genetics (formerly Invitae), Labcorp).

NM_022132.4(MCCC2):c.1367_1368inv (p.Ala456Val)

Gene: MCCC2 (methylcrotonyl-CoA carboxylase subunit 2; plus strand). Cytogenetic location: 5q13.2.
Variant type: Inversion.
Coding change: c.1367_1368inv on transcript NM_022132.4.
Protein change: p.Ala456Val; replaces alanine 456 with valine.
Molecular consequence: missense variant (on NM_022132.5).
Genome position: GRCh38 VCF-style: chr5-71649247-CA-TG. GRCh37 (hg19) VCF-style: chr5-70945074-CA-TG.
Other names: c.1253_1254inv, p.Ala418Val (NM_001363147.1); c.1367_1368inv, p.Ala456Val (NM_022132.5); short protein forms A418V, A456V.
Identifiers: ClinVar variation 451352 (VCV000451352.7), ClinGen allele CA658657454.